The following is an entry in ClinVar:

ClinVar aggregate classification (germline): Uncertain significance. Review status: criteria provided, multiple submitters, no conflicts (2 of 4 stars). 5 submissions from 5 submitters: Uncertain significance (5). Last evaluated 2026-08-07.

Conditions:
IFT172-related disorder. Also called: IFT172-related disorders; IFT172-related condition.
Short-rib thoracic dysplasia 10 with or without polydactyly (SRTD10). Identifiers: Orphanet 474, MedGen C3810175, MONDO:0014284, OMIM 615630.
Bardet-Biedl syndrome 20. Identifiers: MedGen C4310707, MONDO:0023670, OMIM 619471, MONDO:0014926.
Retinitis pigmentosa 71 (RP71). Identifiers: Orphanet 791, MedGen C4225342, MONDO:0014618, OMIM 616394.

Allele frequency attached by ClinVar (database versions not stated): gnomAD exomes 0.00007 and 0.00021; TOPMed 0.00009; ESP Exome Variant Server 0.00015; gnomAD 0.00005; ExAC 0.00007.

Submissions (5):

PreventionGenetics, part of Exact Sciences
Classification: Uncertain significance for IFT172-related condition. Last evaluated: 2026-08-07. Review status: criteria provided, single submitter. Criteria: ACMG Guidelines, 2015. Collection method: clinical testing. Allele origin: germline.
Comment: The IFT172 c.4622A>G variant is predicted to result in the amino acid substitution p.Tyr1541Cys. To our knowledge, this variant has not been reported in the literature. This variant is reported in 0.014% of alleles in individuals of European (Non-Finnish) descent in gnomAD. At this time, the clinical significance of this variant is uncertain due to the absence of conclusive functional and genetic evidence.

GeneDx
Classification: Uncertain significance. Last evaluated: 2024-08-21. Review status: criteria provided, single submitter. Criteria: GeneDx Variant Classification Process June 2021. Collection method: clinical testing. Allele origin: germline. Affected: yes.
Comment: Not observed at significant frequency in large population cohorts (gnomAD); In silico analysis supports that this missense variant has a deleterious effect on protein structure/function; Has not been previously published as pathogenic or benign to our knowledge

Blueprint Genetics
Classification: Uncertain significance. Last evaluated: 2024-07-10. Review status: criteria provided, single submitter. Criteria: ACMG Guidelines, 2015. Collection method: clinical testing. Allele origin: germline.

Labcorp Genetics (formerly Invitae), Labcorp
Classification: Uncertain significance for Retinitis pigmentosa 71; Short-rib thoracic dysplasia 10 with or without polydactyly. Last evaluated: 2022-10-24. Review status: criteria provided, single submitter. Criteria: Invitae Variant Classification Sherloc (09022015). Collection method: clinical testing. Allele origin: germline.
Comment: This sequence change replaces tyrosine, which is neutral and polar, with cysteine, which is neutral and slightly polar, at codon 1541 of the IFT172 protein (p.Tyr1541Cys). This variant is present in population databases (rs138003766, gnomAD 0.01%). This variant has not been reported in the literature in individuals affected with IFT172-related conditions. ClinVar contains an entry for this variant (Variation ID: 972285). Advanced modeling of protein sequence and biophysical properties (such as structural, functional, and spatial information, amino acid conservation, physicochemical variation, residue mobility, and thermodynamic stability) performed at Invitae indicates that this missense variant is not expected to disrupt IFT172 protein function. In summary, the available evidence is currently insufficient to determine the role of this variant in disease. Therefore, it has been classified as a Variant of Uncertain Significance.

Fulgent Genetics
Classification: Uncertain significance for Short-rib thoracic dysplasia 10 with or without polydactyly; Retinitis pigmentosa 71; Bardet-Biedl syndrome 20. Last evaluated: 2022-05-07. Review status: criteria provided, single submitter. Criteria: ACMG Guidelines, 2015. Collection method: clinical testing. Allele origin: unknown.

NM_015662.3(IFT172):c.4622A>G (p.Tyr1541Cys)

Gene: IFT172 (intraflagellar transport 172; minus strand). Cytogenetic location: 2p23.3.
Variant type: single nucleotide variant.
Coding change: c.4622A>G on transcript NM_015662.3 (MANE Select); coding-DNA position 4622, A replaced by G.
Protein change: p.Tyr1541Cys; replaces tyrosine 1541 with cysteine.
Molecular consequence: missense variant.
Genome position (GRCh38, 1-based): chr2:27,447,552, T>C on the plus strand (A>G on the coding strand, the complement: IFT172 is on the minus strand). VCF-style: chr2-27447552-T-C. GRCh37 (hg19) VCF-style: chr2-27670419-T-C.
Other names: short protein forms Y1541C.
Identifiers: ClinVar variation 972285 (VCV000972285.11), dbSNP rs138003766, ClinGen allele CA1579544.